The following is an entry in ClinVar:

NM_032119.4(ADGRV1):c.10342G>T (p.Val3448Leu)

Gene: ADGRV1 (adhesion G protein-coupled receptor V1; plus strand). Cytogenetic location: 5q14.3.
Variant type: single nucleotide variant.
Coding change: c.10342G>T on transcript NM_032119.4 (MANE Select); coding-DNA position 10342, G replaced by T.
Protein change: p.Val3448Leu; replaces valine 3448 with leucine.
Molecular consequence: missense variant. On other transcripts: non-coding transcript variant (1).
Genome position (GRCh38, 1-based): chr5:90,728,849, G>T. VCF-style: chr5-90728849-G-T. GRCh37 (hg19) VCF-style: chr5-90024666-G-T.
Other names: c.10342G>T (NM_032119.3); short protein forms V3448L.
Identifiers: ClinVar variation 3389495 (VCV003389495.15).

ClinVar aggregate classification (germline): Uncertain significance. Review status: criteria provided, multiple submitters, no conflicts (2 of 4 stars). 2 submissions from 2 submitters: Uncertain significance (2). Last evaluated 2025-01-01.

Conditions:
Inborn genetic diseases. Identifiers: MedGen C0950123, MeSH D030342.

gnomAD v4.1: 3 of 1,613,722 alleles (0.00019%); highest among the groups gnomAD compares: South Asian, 0.0011%; no homozygotes.

Submissions (2):

Ambry Genetics
Classification: Uncertain significance for Inborn genetic diseases. Last evaluated: 2025-01-01. Review status: criteria provided, single submitter. Criteria: Ambry Variant Classification Scheme 2023. Collection method: clinical testing. Allele origin: germline.

CeGaT Center for Human Genetics Tuebingen
Classification: Uncertain significance. Last evaluated: 2024-12-01. Review status: criteria provided, single submitter. Criteria: CeGaT Center For Human Genetics Tuebingen Variant Classification Criteria Version 2. Collection method: clinical testing. Allele origin: germline. Affected: yes. Observed: 1 variant allele.
Comment: ADGRV1: PM2, BP4